The following is an entry in ClinVar:

ClinVar aggregate classification (germline): Pathogenic (1 of 4 stars; one submission).

Conditions:
Primary ciliary dyskinesia. Also called: Ciliary dyskinesia. Identifiers: Orphanet 244, MedGen C0008780, MONDO:0016575, HP:0012265.

Submission:

Labcorp Genetics (formerly Invitae), Labcorp
Classification: Pathogenic for Primary ciliary dyskinesia. Last evaluated: 2022-05-05. Review status: criteria provided, single submitter. Criteria: Invitae Variant Classification Sherloc (09022015). Collection method: clinical testing. Allele origin: germline.
Comment: This variant is a gross deletion of the genomic region encompassing exon(s) 2-20 of the DNAI1 gene, which includes the termination codon. This deletion extends beyond the assayed region for this gene and therefore may encompass additional genes. While this deletion is not anticipated to lead to nonsense mediated decay, it is expected to alter mRNA translation or result in a truncated protein product. This variant has not been reported in the literature in individuals affected with DNAI1-related conditions. This variant disrupts a region of the DNAI1 protein in which other variant(s) (p.Ala538Thr) have been determined to be pathogenic (PMID: 16858015, 21143860). This suggests that this is a clinically significant region of the protein, and that variants that disrupt it are likely to be disease-causing. For these reasons, this variant has been classified as Pathogenic.

Literature cited by the submitters: PubMed 16858015; PubMed 21143860.

NC_000009.11:g.(?_34483426)_(34520754_?)del

Gene: DNAI1 (dynein axonemal intermediate chain 1; plus strand). Cytogenetic location: 9p13.3.
Variant type: Deletion.
Identifiers: ClinVar variation 2425771 (VCV002425771.11).